The following is an entry in ClinVar:

NM_020458.4(TTC7A):c.707T>C (p.Leu236Pro)

Gene: TTC7A (tetratricopeptide repeat domain 7A; plus strand). Cytogenetic location: 2p21.
Variant type: single nucleotide variant.
Coding change: c.707T>C on transcript NM_020458.4 (MANE Select); coding-DNA position 707, T replaced by C.
Protein change: p.Leu236Pro; replaces leucine 236 with proline.
Molecular consequence: missense variant. On other transcripts: 5 prime UTR variant (1).
Genome position (GRCh38, 1-based): chr2:46,978,850, T>C. VCF-style: chr2-46978850-T-C. GRCh37 (hg19) VCF-style: chr2-47205989-T-C.
Other names: c.707T>C, p.Leu236Pro (LRG_1323t1, NM_001288951.2); c.605T>C, p.Leu202Pro (NM_001288953.2); c.-198T>C (NM_001288955.2); short protein forms L202P, L236P.
Identifiers: ClinVar variation 639073 (VCV000639073.9), dbSNP rs1572793765, ClinGen allele CA346723804.

ClinVar aggregate classification (germline): Uncertain significance (1 of 4 stars; one submission).

Conditions:
Multiple gastrointestinal atresias. Also called: FAMILIAL INTESTINAL POLYATRESIA SYNDROME; Multiple intestinal atresia. Identifiers: Orphanet 2300, MedGen C0220744, MONDO:0009465.

Submission:

Labcorp Genetics (formerly Invitae), Labcorp
Classification: Uncertain significance for Multiple gastrointestinal atresias. Last evaluated: 2018-08-17. Review status: criteria provided, single submitter. Criteria: Invitae Variant Classification Sherloc (09022015). Collection method: clinical testing. Allele origin: germline.
Comment: This sequence change replaces leucine with proline at codon 236 of the TTC7A protein (p.Leu236Pro). The leucine residue is moderately conserved and there is a moderate physicochemical difference between leucine and proline. This variant is not present in population databases (ExAC no frequency). This variant has not been reported in the literature in individuals with TTC7A-related disease. Algorithms developed to predict the effect of missense changes on protein structure and function are either unavailable or do not agree on the potential impact of this missense change (SIFT: "Tolerated"; PolyPhen-2: "Possibly Damaging"; Align-GVGD: "Class C0"). In summary, the available evidence is currently insufficient to determine the role of this variant in disease. Therefore, it has been classified as a Variant of Uncertain Significance.